The following is an entry in ClinVar:

ClinVar aggregate classification (germline): Pathogenic (1 of 4 stars; one submission).

Submission:

Labcorp Genetics (formerly Invitae), Labcorp
Classification: Pathogenic. Last evaluated: 2022-04-13. Review status: criteria provided, single submitter. Criteria: Invitae Variant Classification Sherloc (09022015). Collection method: clinical testing. Allele origin: germline.
Comment: For these reasons, this variant has been classified as Pathogenic. This variant has not been reported in the literature in individuals affected with ADGRV1-related conditions. This variant is not present in population databases (gnomAD no frequency). This sequence change creates a premature translational stop signal (p.Trp2480*) in the ADGRV1 gene. It is expected to result in an absent or disrupted protein product. Loss-of-function variants in ADGRV1 are known to be pathogenic (PMID: 19357117, 22135276, 22147658, 26226137, 26667666, 30029497, 32467589).

Literature cited by the submitters: PubMed 19357117; PubMed 22135276; PubMed 22147658; PubMed 26226137; PubMed 26667666; PubMed 30029497; PubMed 32467589.

NM_032119.4(ADGRV1):c.7440G>A (p.Trp2480Ter)

Gene: ADGRV1 (adhesion G protein-coupled receptor V1; plus strand). Cytogenetic location: 5q14.3.
Variant type: single nucleotide variant.
Coding change: c.7440G>A on transcript NM_032119.4 (MANE Select); coding-DNA position 7440, G replaced by A.
Protein change: p.Trp2480Ter; replaces tryptophan 2480 with a stop codon.
Molecular consequence: nonsense. On other transcripts: non-coding transcript variant (1).
Genome position (GRCh38, 1-based): chr5:90,694,196, G>A. VCF-style: chr5-90694196-G-A. GRCh37 (hg19) VCF-style: chr5-89990013-G-A.
Other names: short protein forms W2480*.
Identifiers: ClinVar variation 2125969 (VCV002125969.4), dbSNP rs1479306494, ClinGen allele CA360377613.